The following is an entry in ClinVar:

NM_001943.5(DSG2):c.152G>C (p.Trp51Ser)

Gene: DSG2 (desmoglein 2; plus strand). Cytogenetic location: 18q12.1.
Variant type: single nucleotide variant.
Coding change: c.152G>C on transcript NM_001943.5 (MANE Select); coding-DNA position 152, G replaced by C.
Protein change: p.Trp51Ser; replaces tryptophan 51 with serine.
Molecular consequence: missense variant.
Genome position (GRCh38, 1-based): chr18:31,519,873, G>C. VCF-style: chr18-31519873-G-C. GRCh37 (hg19) VCF-style: chr18-29099836-G-C.
Other names: p.W51S:TGG>TCG; c.152G>C (LRG_397t1); short protein forms W51S.
Identifiers: ClinVar variation 199796 (VCV000199796.2), dbSNP rs397516702, ClinGen allele CA021444.

ClinVar aggregate classification (germline): Likely pathogenic (1 of 4 stars; one submission).

Submission:

GeneDx
Classification: Likely pathogenic. Last evaluated: 2014-07-22. Review status: criteria provided, single submitter. Criteria: GeneDx Variant Classification (06012015). Collection method: clinical testing. Allele origin: germline. Affected: yes.
Comment: p.Trp51Ser (TGG>TCG): c.152 G>C in exon 3 of the DSG2 gene (NM_001943.3). The W51S variant has not been published as a mutation, nor has it been reported as a benign polymorphism to our knowledge. The W51S variant was not observed in approximately 6,000 individuals of European and African American ancestry in the NHLBI Exome Sequencing Project, indicating it is not a common benign variant in these populations. The W51S variant is a non-conservative amino acid substitution, which is likely to impact secondary protein structure as these residues differ in polarity, charge, size and/or other properties. This substitution occurs at a position that is conserved across species. In silico analysis predicts this variant is probably damaging to the protein structure/function. Furthermore, missense mutations in nearby residues (R46W, R46Q, R49H, V56M) have been reported, supporting the functional importance of this region of the protein. Therefore, this variant is a strong candidate for a pathogenic mutation, however the possibility that it is a benign variant cannot be excluded. The variant is found in ARVC panel(s).